The following is an entry in ClinVar:

ClinVar aggregate classification (germline): Likely benign. Review status: reviewed by expert panel (3 of 4 stars). 3 submissions from 3 submitters: Likely benign (1). 2 of the submissions do not count toward it. Last evaluated 2017-06-29.

Conditions:
Hereditary cancer-predisposing syndrome. Also called: Hereditary Cancer Syndrome; Neoplastic Syndromes, Hereditary; Tumor predisposition; Hereditary neoplastic syndrome. Identifiers: Orphanet 140162, MedGen C0027672, MeSH D009386, MONDO:0015356.
Breast-ovarian cancer, familial, susceptibility to, 2 (BROVCA2). Also called: BRCA2 Hereditary Breast and Ovarian Cancer. Identifiers: Orphanet 145, MedGen C2675520, MONDO:0012933, OMIM 612555. Disease mechanism: loss of function.
Hereditary breast ovarian cancer syndrome. Also called: Hereditary breast and/or ovarian cancer syndrome; BRCA1- and BRCA2-Associated Hereditary Breast and Ovarian Cancer; Hereditary breast and ovarian cancer syndrome (HBOC); Hereditary breast and ovarian cancer; Hereditary breast and ovarian cancer syndrome; Breast and ovarian cancer. Identifiers: Orphanet 145, MedGen C0677776, MeSH D061325, MONDO:0003582. Disease mechanism: loss of function.

Allele frequency attached by ClinVar (database versions not stated): gnomAD exomes below 0.00001 and 0.00001; ExAC 0.00001.

Submissions (3):

Evidence-based Network for the Interpretation of Germline Mutant Alleles (ENIGMA)
Classification: Likely benign for Breast-ovarian cancer, familial, susceptibility to, 2. Last evaluated: 2017-06-29. Review status: reviewed by expert panel. Criteria: ENIGMA BRCA1/2 Classification Criteria (2017-06-29). Collection method: curation. Allele origin: germline.
Comment: Synonymous substitution variant, with low bioinformatic likelihood to result in a splicing aberration (Splicing prior probability 0.02).

Labcorp Genetics (formerly Invitae), Labcorp
Classification: Likely benign for Hereditary breast ovarian cancer syndrome. Last evaluated: 2024-08-07. Review status: criteria provided, single submitter. Criteria: Invitae Variant Classification Sherloc (09022015). Collection method: clinical testing. Allele origin: germline. Not counted in ClinVar's aggregate classification.

Ambry Genetics
Classification: Likely benign for Hereditary cancer-predisposing syndrome. Last evaluated: 2015-04-02. Review status: criteria provided, single submitter. Criteria: Ambry Variant Classification Scheme 2023. Collection method: clinical testing. Allele origin: germline. Not counted in ClinVar's aggregate classification.

NM_000059.4(BRCA2):c.7026A>G (p.Gln2342=)

Gene: BRCA2 (BRCA2 DNA repair associated; plus strand). Cytogenetic location: 13q13.1.
Variant type: single nucleotide variant.
Coding change: c.7026A>G on transcript NM_000059.4 (MANE Select); coding-DNA position 7026, A replaced by G.
Protein change: p.Gln2342=; no amino-acid change (glutamine 2342 retained).
Molecular consequence: synonymous variant.
Genome position (GRCh38, 1-based): chr13:32,354,879, A>G. VCF-style: chr13-32354879-A-G. GRCh37 (hg19) VCF-style: chr13-32929016-A-G.
Identifiers: ClinVar variation 231223 (VCV000231223.15), dbSNP rs754478087, ClinGen allele CA6941052.